The following is an entry in ClinVar:

NM_001375524.1(TRRAP):c.1010A>G (p.His337Arg)

Gene: TRRAP (transformation/transcription domain associated protein; plus strand). Cytogenetic location: 7q22.1.
Variant type: single nucleotide variant.
Coding change: c.1010A>G on transcript NM_001375524.1 (MANE Select); coding-DNA position 1010, A replaced by G.
Protein change: p.His337Arg; replaces histidine 337 with arginine.
Molecular consequence: missense variant.
Genome position (GRCh38, 1-based): chr7:98,903,491, A>G. VCF-style: chr7-98903491-A-G. GRCh37 (hg19) VCF-style: chr7-98501114-A-G.
Other names: c.1010A>G, p.His337Arg (NM_001244580.2, NM_003496.4); short protein forms H337R.
Identifiers: ClinVar variation 985702 (VCV000985702.4), dbSNP rs1796565960, ClinGen allele CA368282174.

ClinVar aggregate classification (germline): Uncertain significance. Review status: criteria provided, multiple submitters, no conflicts (2 of 4 stars). 2 submissions from 2 submitters: Uncertain significance (2). Last evaluated 2024-03-08.

Conditions:
Developmental delay with or without dysmorphic facies and autism. Identifiers: MedGen C5193106, MONDO:0032760, OMIM 618454.
Inborn genetic diseases. Identifiers: MedGen C0950123, MeSH D030342.

Submissions (2):

Pittsburgh Clinical Genomics Laboratory, University of Pittsburgh Medical Center
Classification: Uncertain significance for Developmental delay with or without dysmorphic facies and autism. Last evaluated: 2024-03-08. Review status: criteria provided, single submitter. Criteria: ACMG Guidelines, 2015. Collection method: clinical testing. Allele origin: germline. Inheritance: Autosomal dominant inheritance. Affected: yes.
Comment: This sequence variant is a single nucleotide substitution (A>G) at position 1010 of the coding sequence of the TRRAP gene that results in a histidine to arginine amino acid change at residue 337 of the transformation/transcription domain associated protein. This is a previously reported variant (ClinVar 985702) that has not been observed in individuals affected by a TRRAP-related disorder in the published literature, to our knowledge. This variant is absent from the gnomAD v4.0.0 population database (0/~1461000 alleles). Multiple bioinformatic tools predict that this amino acid change would be damaging, and the His337 residue at this position is highly conserved across the vertebrate species examined. Studies examining the functional consequence of this variant have not been published, to our knowledge. At this time, there is insufficient evidence to determine if this variant is pathogenic or benign. Therefore, we consider this a variant of uncertain significance. ACMG Criteria: PM2, PP3

Ambry Genetics
Classification: Uncertain significance for Inborn genetic diseases. Last evaluated: 2019-08-22. Review status: criteria provided, single submitter. Criteria: Ambry exome assertion method (8-5-2015). Collection method: clinical testing. Allele origin: germline. Affected: yes. Observed: 1 variant allele.